The following is an entry in ClinVar:

NM_032043.3(BRIP1):c.1499A>G (p.Lys500Arg)

Gene: BRIP1 (BRCA1 interacting DNA helicase 1; minus strand). Cytogenetic location: 17q23.2.
Variant type: single nucleotide variant.
Coding change: c.1499A>G on transcript NM_032043.3 (MANE Select); coding-DNA position 1499, A replaced by G.
Protein change: p.Lys500Arg; replaces lysine 500 with arginine.
Molecular consequence: missense variant.
Genome position (GRCh38, 1-based): chr17:61,784,399, T>C on the plus strand (A>G on the coding strand, the complement: BRIP1 is on the minus strand). VCF-style: chr17-61784399-T-C. GRCh37 (hg19) VCF-style: chr17-59861760-T-C.
Other names: short protein forms K500R.
Identifiers: ClinVar variation 819386 (VCV000819386.20), dbSNP rs746329838, ClinGen allele CA8690719.

ClinVar aggregate classification (germline): Uncertain significance. Review status: criteria provided, multiple submitters, no conflicts (2 of 4 stars). 5 submissions from 5 submitters: Uncertain significance (5). Last evaluated 2026-02-01.

Conditions:
Familial cancer of breast. Also called: Hereditary breast cancer; hereditary breast carcinoma; BREAST CANCER, FAMILIAL. Identifiers: Orphanet 227535, MedGen C0346153, MONDO:0016419, OMIM 114480. Disease mechanism: loss of function.
Fanconi anemia complementation group J. Also called: BRIP1-Related Fanconi Anemia. Identifiers: Orphanet 84, MedGen C1836860, MONDO:0012187, OMIM 609054.
Hereditary cancer-predisposing syndrome. Also called: Hereditary Cancer Syndrome; Neoplastic Syndromes, Hereditary; Hereditary neoplastic syndrome; Tumor predisposition. Identifiers: Orphanet 140162, MedGen C0027672, MeSH D009386, MONDO:0015356.

Allele frequency attached by ClinVar (database versions not stated): gnomAD exomes 0.00001 and 0.00003; TOPMed 0.00002; ExAC 0.00003.
gnomAD v4.1: 8 of 1,613,484 alleles (0.0005%); highest among the groups gnomAD compares: Admixed American, 0.013%; no homozygotes.

Submissions (5):

Labcorp Genetics (formerly Invitae), Labcorp
Classification: Uncertain significance for Familial cancer of breast; Fanconi anemia complementation group J. Last evaluated: 2026-02-01. Review status: criteria provided, single submitter. Criteria: Invitae Variant Classification Sherloc (09022015). Collection method: clinical testing. Allele origin: germline.
Comment: This sequence change replaces lysine, which is basic and polar, with arginine, which is basic and polar, at codon 500 of the BRIP1 protein (p.Lys500Arg). This variant is present in population databases (rs746329838, gnomAD 0.02%). This variant has not been reported in the literature in individuals affected with BRIP1-related conditions. ClinVar contains an entry for this variant (Variation ID: 819386). An algorithm developed to predict the effect of missense changes on protein structure and function outputs the following: PolyPhen-2: "Benign". The arginine amino acid residue is found in multiple mammalian species, which suggests that this missense change does not adversely affect protein function. RNA analysis performed to evaluate the impact of this missense change on mRNA splicing indicates it does not significantly alter splicing (internal data). In summary, the available evidence is currently insufficient to determine the role of this variant in disease. Therefore, it has been classified as a Variant of Uncertain Significance.

Ambry Genetics
Classification: Uncertain significance for Hereditary cancer-predisposing syndrome. Last evaluated: 2025-12-02. Review status: criteria provided, single submitter. Criteria: Ambry Variant Classification Scheme 2023. Collection method: clinical testing. Allele origin: germline.
Comment: The p.K500R variant (also known as c.1499A>G), located in coding exon 10 of the BRIP1 gene, results from an A to G substitution at nucleotide position 1499. The lysine at codon 500 is replaced by arginine, an amino acid with highly similar properties. This amino acid position is well conserved in available vertebrate species. In addition, this alteration is predicted to be tolerated by in silico analysis. Since supporting evidence is limited at this time, the clinical significance of this alteration remains unclear.

Women's Health and Genetics/Laboratory Corporation of America, LabCorp
Classification: Uncertain significance. Last evaluated: 2024-02-24. Review status: criteria provided, single submitter. Criteria: LabCorp Variant Classification Summary - May 2015. Collection method: clinical testing. Allele origin: germline.

Fulgent Genetics
Classification: Uncertain significance for Familial cancer of breast; Fanconi anemia complementation group J. Last evaluated: 2024-02-06. Review status: criteria provided, single submitter. Criteria: ACMG Guidelines, 2015. Collection method: clinical testing. Allele origin: germline.

Genetic Services Laboratory, University of Chicago
Classification: Uncertain significance. Last evaluated: 2018-11-19. Review status: criteria provided, single submitter. Criteria: ACMG Guidelines, 2015. Collection method: clinical testing. Allele origin: germline. Affected: no.